The following is an entry in ClinVar:

ClinVar aggregate classification (germline): Likely pathogenic (1 of 4 stars; one submission).

Conditions:
Kleefstra syndrome 1 (KLEFS1). Identifiers: Orphanet 261494, MedGen C0795833, MONDO:0027407, OMIM 610253.

Submission:

Labcorp Genetics (formerly Invitae), Labcorp
Classification: Likely pathogenic for Kleefstra syndrome 1. Last evaluated: 2019-03-05. Review status: criteria provided, single submitter. Criteria: Invitae Variant Classification Sherloc (09022015). Collection method: clinical testing. Allele origin: germline.
Comment: In summary, the currently available evidence indicates that the variant is pathogenic, but additional data are needed to prove that conclusively. Therefore, this variant has been classified as Likely Pathogenic. Loss-of-function variants in EHMT1 are known to be pathogenic (PMID: 16826528, 19264732). This variant has not been reported in the literature in individuals with EHMT1-related disease. This variant is a deletion of the genomic region encompassing part of exon 1 (c.13_21+153del) of the EHMT1 gene. It is expected to disrupt RNA splicing and likely results in an absent or disrupted protein product.

Literature cited by the submitters: PubMed 16826528; PubMed 19264732.

NM_024757.5(EHMT1):c.13_21+153del

Genes: EHMT1 (euchromatic histone lysine methyltransferase 1; plus strand), LOC130003135 (ATAC-STARR-seq lymphoblastoid silent region 20636; plus strand). Cytogenetic location: 9q34.3.
Variant type: Deletion.
Coding change: c.13_21+153del on transcript NM_024757.5 (MANE Select); coding-DNA position 13 through 153 bases into the intron after coding-DNA position 21, 162 bases deleted.
Molecular consequence: splice donor variant.
Genome position (GRCh38, 1-based): chr9:137,619,041-137,619,202, 162 bases deleted. GRCh37 (hg19): chr9:140,513,493-140,513,654.
Other names: c.13_21+153del (NM_001354263.2, NM_001145527.2, NM_001354611.2); c.-17_-9+153del (NM_001354259.2, NM_001354612.2).
Identifiers: ClinVar variation 573983 (VCV000573983.10), dbSNP rs1564509503, ClinGen allele CA891842848.